The following is an entry in ClinVar:

ClinVar aggregate classification (germline): Uncertain significance. Review status: criteria provided, multiple submitters, no conflicts (2 of 4 stars). 2 submissions from 2 submitters: Uncertain significance (2). Last evaluated 2024-08-19.

Conditions:
Ataxia-telangiectasia syndrome (AT). Also called: ATAXIA-TELANGIECTASIA, COMPLEMENTATION GROUP A; ATAXIA-TELANGIECTASIA, FRESNO VARIANT; Ataxia-telangiectasia, complementation group E; Ataxia telangiectasia (A-T); LOUIS-BAR SYNDROME; Cerebello-oculocutaneous telangiectasia. Identifiers: Orphanet 100, MedGen C0004135, MONDO:0008840, OMIM 208900.
Hereditary cancer-predisposing syndrome. Also called: Neoplastic Syndromes, Hereditary; Hereditary Cancer Syndrome; Hereditary neoplastic syndrome; Tumor predisposition. Identifiers: Orphanet 140162, MedGen C0027672, MeSH D009386, MONDO:0015356.

Submissions (2):

Labcorp Genetics (formerly Invitae), Labcorp
Classification: Uncertain significance for Ataxia-telangiectasia syndrome. Last evaluated: 2024-08-19. Review status: criteria provided, single submitter. Criteria: Invitae Variant Classification Sherloc (09022015). Collection method: clinical testing. Allele origin: germline.
Comment: This sequence change replaces asparagine, which is neutral and polar, with lysine, which is basic and polar, at codon 1549 of the ATM protein (p.Asn1549Lys). This variant is not present in population databases (gnomAD no frequency). This variant has not been reported in the literature in individuals affected with ATM-related conditions. ClinVar contains an entry for this variant (Variation ID: 825066). An algorithm developed to predict the effect of missense changes on protein structure and function (PolyPhen-2) suggests that this variant is likely to be disruptive. In summary, the available evidence is currently insufficient to determine the role of this variant in disease. Therefore, it has been classified as a Variant of Uncertain Significance.

Ambry Genetics
Classification: Uncertain significance for Hereditary cancer-predisposing syndrome. Last evaluated: 2023-06-22. Review status: criteria provided, single submitter. Criteria: Ambry Variant Classification Scheme 2023. Collection method: clinical testing. Allele origin: germline.
Comment: The p.N1549K variant (also known as c.4647C>G), located in coding exon 30 of the ATM gene, results from a C to G substitution at nucleotide position 4647. The asparagine at codon 1549 is replaced by lysine, an amino acid with similar properties. This amino acid position is highly conserved in available vertebrate species. In addition, this alteration is predicted to be tolerated by in silico analysis. Since supporting evidence is limited at this time, the clinical significance of this alteration remains unclear.

NM_000051.4(ATM):c.4647C>G (p.Asn1549Lys)

Gene: ATM (ATM serine/threonine kinase; plus strand). Cytogenetic location: 11q22.3.
Variant type: single nucleotide variant.
Coding change: c.4647C>G on transcript NM_000051.4 (MANE Select); coding-DNA position 4647, C replaced by G.
Protein change: p.Asn1549Lys; replaces asparagine 1549 with lysine.
Molecular consequence: missense variant.
Genome position (GRCh38, 1-based): chr11:108,293,348, C>G. VCF-style: chr11-108293348-C-G. GRCh37 (hg19) VCF-style: chr11-108164075-C-G.
Other names: c.4647C>G, p.Asn1549Lys (NM_001351834.2); short protein forms N1549K.
Identifiers: ClinVar variation 825066 (VCV000825066.14), dbSNP rs1300874775, ClinGen allele CA382534642.